The following is an entry in ClinVar:

ClinVar aggregate classification (germline): Pathogenic. Review status: criteria provided, multiple submitters, no conflicts (2 of 4 stars). 6 submissions from 6 submitters: Pathogenic (4). 2 of the submissions do not count toward it. Last evaluated 2024-10-04.

Conditions:
Ehlers-Danlos syndrome (EDS). Identifiers: Orphanet 98249, MedGen C0013720, MONDO:0020066.
Ehlers-Danlos syndrome, kyphoscoliotic type 1 (EDSKSCL1). Also called: Ehlers-Danlos syndrome, hydroxylysine-deficient; EHLERS-DANLOS SYNDROME, TYPE VIA; EHLERS-DANLOS SYNDROME, OCULAR-SCOLIOTIC TYPE; PLOD1-Related Kyphoscoliotic Ehlers-Danlos Syndrome. Identifiers: Orphanet 1900, MedGen C0268342, MONDO:0016002, OMIM 225400. Disease mechanism: loss of function.

Allele frequency attached by ClinVar (database versions not stated): gnomAD exomes below 0.00001 and 0.00001; ExAC 0.00002.
gnomAD v4.1: 8 of 1,614,136 alleles (0.0005%); highest among the groups gnomAD compares: South Asian, 0.0011%; no homozygotes.

Submissions (6):

Dubai Health Genomic Medicine Center, Dubai Health
Classification: Pathogenic for Ehlers-Danlos syndrome. Last evaluated: 2024-10-04. Review status: criteria provided, single submitter. Criteria: ACMG Guidelines, 2015. Collection method: research. Allele origin: germline. Affected: yes.
Comment: PVS1,PM3(strong),PM2

Labcorp Genetics (formerly Invitae), Labcorp
Classification: Pathogenic for Ehlers-Danlos syndrome, kyphoscoliotic type 1. Last evaluated: 2024-05-13. Review status: criteria provided, single submitter. Criteria: Invitae Variant Classification Sherloc (09022015). Collection method: clinical testing. Allele origin: germline.
Comment: This sequence change creates a premature translational stop signal (p.Arg319*) in the PLOD1 gene. It is expected to result in an absent or disrupted protein product. Loss-of-function variants in PLOD1 are known to be pathogenic (PMID: 10874315, 21699693). This variant is present in population databases (rs121913550, gnomAD 0.006%). This premature translational stop signal has been observed in individual(s) with PLOD1-related conditions (PMID: 15666309). ClinVar contains an entry for this variant (Variation ID: 14364). For these reasons, this variant has been classified as Pathogenic.

Genomic Medicine Center of Excellence, King Faisal Specialist Hospital and Research Centre
Classification: Pathogenic for Ehlers-Danlos syndrome, kyphoscoliotic type 1. Last evaluated: 2024-03-26. Review status: criteria provided, single submitter. Criteria: ACMG Guidelines, 2015. Collection method: clinical testing. Allele origin: germline.

GeneDx
Classification: Pathogenic. Last evaluated: 2023-08-28. Review status: criteria provided, single submitter. Criteria: GeneDx Variant Classification Process June 2021. Collection method: clinical testing. Allele origin: germline. Affected: yes.
Comment: Not observed at significant frequency in large population cohorts (gnomAD); Published functional studies demonstrate a damaging effect as this variant results in almost absent enzymatic activity (Hyland et al., 1992); Nonsense variant predicted to result in protein truncation or nonsense mediated decay in a gene for which loss of function is a known mechanism of disease; This variant is associated with the following publications: (PMID: 3931636, 25525159, 8533783, 15666309, 1345174, 9152832, 20301635, 32382396)

OMIM
Classification: Pathogenic for EHLERS-DANLOS SYNDROME, KYPHOSCOLIOTIC TYPE, 1. Last evaluated: 2005-03-01. Review status: no assertion criteria provided. Collection method: literature only. Allele origin: germline. Not counted in ClinVar's aggregate classification.

GeneReviews
No classification provided. Condition: Ehlers-Danlos syndrome, kyphoscoliotic type 1. Review status: no classification provided. Collection method: literature only. Allele origin: germline. Not counted in ClinVar's aggregate classification.

Literature cited by the submitters: PubMed 10874315 (cited by Labcorp Genetics (formerly Invitae), Labcorp); PubMed 21699693 (cited by Labcorp Genetics (formerly Invitae), Labcorp); PubMed 15666309 (cited by Labcorp Genetics (formerly Invitae), Labcorp and OMIM); PubMed 1345174 (cited by OMIM); Steinmann, B., Royce, P. M., Superti-Furga, A. The Ehlers-Danlos syndrome. In: Royce, P. M., Steinmann, B. Connective Tissue and Its Heritable Disorders: Molecular, Genetic, and Medical Aspects. New York: Wiley-Liss (pub.) 351-407, 1993. (cited by OMIM); PubMed 8533783 (cited by OMIM); PubMed 3931636 (cited by OMIM); PubMed 9152832 (cited by OMIM); NCBI Bookshelf NBK1462 (cited by GeneReviews); PubMed 28306225 (cited by GeneReviews).

NM_000302.4(PLOD1):c.955C>T (p.Arg319Ter)

Gene: PLOD1 (procollagen-lysine,2-oxoglutarate 5-dioxygenase 1; plus strand). Cytogenetic location: 1p36.22.
Variant type: single nucleotide variant.
Coding change: c.955C>T on transcript NM_000302.4 (MANE Select); coding-DNA position 955, C replaced by T.
Protein change: p.Arg319Ter; replaces arginine 319 with a stop codon.
Molecular consequence: nonsense.
Genome position (GRCh38, 1-based): chr1:11,958,627, C>T. VCF-style: chr1-11958627-C-T. GRCh37 (hg19) VCF-style: chr1-12018684-C-T.
Other names: c.1096C>T, p.Arg366Ter (NM_001316320.2); short protein forms R319*, R366*.
Identifiers: ClinVar variation 14364 (VCV000014364.9), dbSNP rs121913550, ClinGen allele CA281006.